The following is an entry in ClinVar:

NM_001142864.4(PIEZO1):c.6165-7G>A

Gene: PIEZO1 (piezo type mechanosensitive ion channel component 1 (Er blood group); minus strand). Cytogenetic location: 16q24.3.
Variant type: single nucleotide variant.
Coding change: c.6165-7G>A on transcript NM_001142864.4 (MANE Select); 7 bases into the intron before coding-DNA position 6165, G replaced by A.
Molecular consequence: intron variant.
Genome position (GRCh38, 1-based): chr16:88,719,967, C>T on the plus strand (G>A on the coding strand, the complement: PIEZO1 is on the minus strand). VCF-style: chr16-88719967-C-T. GRCh37 (hg19) VCF-style: chr16-88786375-C-T.
Other names: p.?.
Identifiers: ClinVar variation 720842 (VCV000720842.27), dbSNP rs141011459, ClinGen allele CA8231687.
Genomic context (GRCh38, chr16:88,719,967, plus strand): 5'-TAGATGCACTTCACGAAGTACCAGAGCTGGGCCACCACATTCTGGTTGAACATCCTGGGG[C>T]GGGATGGCCAGGTCAAGGACCCCATCAGAAACAGCCCCGCAGGGCCCCCAGCCTGCACTG-3'

ClinVar aggregate classification (germline): Conflicting classifications of pathogenicity. Review status: criteria provided, conflicting classifications (1 of 4 stars). 4 submissions from 4 submitters: Uncertain significance (2); Likely benign (2). Last evaluated 2026-01-06.

Allele frequency attached by ClinVar (database versions not stated): ExAC 0.00026; 1000 Genomes Project 30x 0.00031; TOPMed 0.00037; 1000 Genomes Project 0.00040; gnomAD 0.00049 and 0.00051; gnomAD exomes 0.00049 and 0.00050.
gnomAD v4.1: 774 of 1,550,134 alleles (0.05%); highest among the groups gnomAD compares: East Asian, 0.095%; 1 homozygote.

Submissions (4):

Labcorp Genetics (formerly Invitae), Labcorp
Classification: Likely benign. Last evaluated: 2026-01-06. Review status: criteria provided, single submitter. Criteria: Invitae Variant Classification Sherloc (09022015). Collection method: clinical testing. Allele origin: germline.

Mayo Clinic Laboratories, Mayo Clinic
Classification: Uncertain significance. Last evaluated: 2024-12-05. Review status: criteria provided, single submitter. Criteria: ACMG Guidelines, 2015. Collection method: clinical testing. Allele origin: germline. Observed: 2 variant alleles.

Revvity Omics, Revvity
Classification: Uncertain significance. Last evaluated: 2024-11-06. Review status: criteria provided, single submitter. Criteria: ACMG Guidelines, 2015. Collection method: clinical testing. Allele origin: germline.

CeGaT Center for Human Genetics Tuebingen
Classification: Likely benign. Last evaluated: 2024-07-01. Review status: criteria provided, single submitter. Criteria: CeGaT Center For Human Genetics Tuebingen Variant Classification Criteria Version 2. Collection method: clinical testing. Allele origin: germline. Affected: yes. Observed: 1 variant allele.
Comment: PIEZO1: BP4, BS2

Literature cited by the submitters: PubMed 30930797 (cited by Mayo Clinic Laboratories, Mayo Clinic).